The following is an entry in ClinVar:

ClinVar aggregate classification (germline): Pathogenic. Review status: criteria provided, multiple submitters, no conflicts (2 of 4 stars). 4 submissions from 4 submitters: Pathogenic (4). Last evaluated 2026-01-06.

Conditions:
XDH-related disorder. Also called: XDH-related condition.
Xanthinuria type II. Also called: Xanthine dehydrogenase and aldehyde oxidase combined deficiency of; XDH and AOX dual deficiency. Identifiers: Orphanet 3467, Orphanet 93602, MedGen C1863688, MONDO:0011346, OMIM 603592.
Hereditary xanthinuria type 1 (XAN1). Identifiers: Orphanet 3467, Orphanet 93601, MedGen C0268118, MONDO:0010209, OMIM 278300.

Submissions (4):

Labcorp Genetics (formerly Invitae), Labcorp
Classification: Pathogenic for Xanthinuria type II. Last evaluated: 2026-01-06. Review status: criteria provided, single submitter. Criteria: Invitae Variant Classification Sherloc (09022015). Collection method: clinical testing. Allele origin: germline.
Comment: This sequence change creates a premature translational stop signal (p.Pro214Glnfs*4) in the XDH gene. It is expected to result in an absent or disrupted protein product. Loss-of-function variants in XDH are known to be pathogenic (PMID: 9153281). This variant is present in population databases (rs778685046, gnomAD 0.01%). This premature translational stop signal has been observed in individual(s) with clinical features of xanthinuria type I (PMID: 20077140). ClinVar contains an entry for this variant (Variation ID: 1457782). For these reasons, this variant has been classified as Pathogenic.

MVZ Medizinische Genetik Mainz
Classification: Pathogenic for Hereditary xanthinuria type 1. Last evaluated: 2023-11-22. Review status: criteria provided, single submitter. Criteria: UK Practice Guidelines For Variant Classification V4 01 2020. Collection method: clinical testing. Allele origin: germline. Inheritance: Autosomal recessive inheritance. Affected: yes. Observed: 1 variant allele.
Comment: ACMG Criteria: PVS1,PM3_VSTR,PM2_SUP,PP4

Blueprint Genetics
Classification: Pathogenic for XDH-related disorders. Last evaluated: 2023-04-11. Review status: criteria provided, single submitter. Criteria: ACMG Guidelines, 2015. Collection method: clinical testing. Allele origin: germline. Affected: yes. Observed: 5 variant alleles.

Fulgent Genetics
Classification: Pathogenic for Hereditary xanthinuria type 1. Last evaluated: 2022-04-06. Review status: criteria provided, single submitter. Criteria: ACMG Guidelines, 2015. Collection method: clinical testing. Allele origin: unknown.

Literature cited by the submitters: PubMed 9153281 (cited by Labcorp Genetics (formerly Invitae), Labcorp); PubMed 20077140 (cited by Labcorp Genetics (formerly Invitae), Labcorp).

NM_000379.4(XDH):c.641del (p.Pro214fs)

Gene: XDH (xanthine dehydrogenase; minus strand). Cytogenetic location: 2p23.1.
Variant type: Deletion.
Coding change: c.641del on transcript NM_000379.4 (MANE Select); coding-DNA position 641, one base deleted (C; older notation c.641delC).
Protein change: p.Pro214fs; shifts the reading frame from proline 214.
Molecular consequence: frameshift variant.
Genome position (GRCh38, 1-based): chr2:31,387,821, G deleted on the plus strand (C on the coding strand, the reverse complement: XDH is on the minus strand); the first of 5 consecutive G bases (chr2:31,387,821-31,387,825); deleting any one gives the same sequence. VCF-style (leftmost placement, unchanged base first): chr2-31387820-TG-T. GRCh37 (hg19) VCF-style: chr2-31610686-TG-T.
Other names: short protein forms P214fs.
Identifiers: ClinVar variation 1457782 (VCV001457782.9), dbSNP rs778685046, ClinGen allele CA1599548.